The following is an entry in ClinVar:

ClinVar aggregate classification (germline): Likely benign. Review status: criteria provided, multiple submitters, no conflicts (2 of 4 stars). 2 submissions from 2 submitters: Likely benign (2). Last evaluated 2024-11-14.

Conditions:
Renal cell carcinoma. Identifiers: Orphanet 217071, MedGen C0007134, MeSH D002292, MONDO:0005086, HP:0005584.
Papillary renal cell carcinoma type 1 (RCCP1). Also called: RENAL CELL CARCINOMA, PAPILLARY, 1, SOMATIC; Renal adenocarcinoma; Renal cell carcinoma 1; Renal cell carcinoma, somatic. Identifiers: Orphanet 47044, MedGen C1336839, OMIM 605074, HP:0011797.

Allele frequency attached by ClinVar (database versions not stated): gnomAD exomes below 0.00001; TOPMed below 0.00001; gnomAD 0.00001.
gnomAD v4.1: 2 of 1,613,382 alleles (0.00012%); highest among the groups gnomAD compares: Non-Finnish European, 0.00017%; no homozygotes.

Submissions (2):

Myriad Genetics, Inc.
Classification: Likely benign for Papillary renal cell carcinoma type 1. Last evaluated: 2024-11-14. Review status: criteria provided, single submitter. Criteria: Myriad Autosomal Dominant, Autosomal Recessive and X-Linked Classification Criteria (2023). Collection method: clinical testing. Allele origin: unknown.
Comment: This variant is considered likely benign. This variant is intronic and is not expected to impact mRNA splicing.

Labcorp Genetics (formerly Invitae), Labcorp
Classification: Likely benign for Renal cell carcinoma. Last evaluated: 2020-10-25. Review status: criteria provided, single submitter. Criteria: Invitae Variant Classification Sherloc (09022015). Collection method: clinical testing. Allele origin: germline.

NM_000245.4(MET):c.3799-10G>A

Gene: MET (MET proto-oncogene, receptor tyrosine kinase; plus strand). Cytogenetic location: 7q31.2.
Variant type: single nucleotide variant.
Coding change: c.3799-10G>A on transcript NM_000245.4 (MANE Select); 10 bases into the intron before coding-DNA position 3799, G replaced by A.
Molecular consequence: intron variant.
Genome position (GRCh38, 1-based): chr7:116,795,645, G>A. VCF-style: chr7-116795645-G-A. GRCh37 (hg19) VCF-style: chr7-116435699-G-A.
Other names: c.3853-10G>A (NM_001127500.3); c.2509-10G>A (NM_001324402.2).
Identifiers: ClinVar variation 1150742 (VCV001150742.10), dbSNP rs1270863054, ClinGen allele CA832028397.
Genomic context (GRCh38, chr7:116,795,645, plus strand): 5'-CTACTGATTTCCTTTCATATATGTATGGTCACATCTCTCACCTCATCTGTCCTGTTTCTT[G>A]TTTTACTAGTGGTCCTTTGGCGTGCTCCTCTGGGAGCTGATGACAAGAGGAGCCCCACCT-3'